The following is an entry in ClinVar:

ClinVar aggregate classification (germline): Uncertain significance (1 of 4 stars; one submission).

Allele frequency attached by ClinVar (database versions not stated): gnomAD exomes 0.00001.
gnomAD v4.1: 8 of 1,212,436 alleles (0.00066%); highest among the groups gnomAD compares: Non-Finnish European, 0.00078%; no homozygotes.

Submission:

GeneDx
Classification: Uncertain significance. Last evaluated: 2017-06-14. Review status: criteria provided, single submitter. Criteria: GeneDx Variant Classification (06012015). Collection method: clinical testing. Allele origin: germline. Affected: yes.
Comment: A variant of uncertain significance has been identified in the TAZ gene. The H109Y variant has not been published as pathogenic or been reported as benign to our knowledge. This variant is not observed in large population cohorts (Lek et al., 2016; 1000 Genomes Consortium et al., 2015; Exome Variant Server). The H109Y variant is a non-conservative amino acid substitution, which is likely to impact secondary protein structure as these residues differ in polarity, charge, size and/or other properties. In silico analysis predicts this variant is probably damaging to the protein structure/function. This substitution occurs at a position that is conserved across most species; however, tyrosine is present as the wild type in at least one species.

NM_000116.5(TAFAZZIN):c.325C>T (p.His109Tyr)

Gene: TAFAZZIN (tafazzin, phospholipid-lysophospholipid transacylase; plus strand). Cytogenetic location: Xq28.
Variant type: single nucleotide variant.
Coding change: c.325C>T on transcript NM_000116.5 (MANE Select); coding-DNA position 325, C replaced by T.
Protein change: p.His109Tyr; replaces histidine 109 with tyrosine.
Molecular consequence: missense variant. On other transcripts: non-coding transcript variant (1).
Genome position (GRCh38, 1-based): chrX:154,413,522, C>T. VCF-style: chrX-154413522-C-T. GRCh37 (hg19) VCF-style: chrX-153641859-C-T.
Other names: c.379C>T, p.His127Tyr (NM_001303465.2); c.325C>T, p.His109Tyr (NM_181311.4, NM_181312.4, NM_181313.4); short protein forms H109Y, H127Y.
Identifiers: ClinVar variation 432711 (VCV000432711.2), dbSNP rs1557191762, ClinGen allele CA415181825.
Genomic context (GRCh38, chrX:154,413,522, plus strand): 5'-TTGCATCTGTCCCTGCTTAGGACCCCTGCAGCTGCAGACATCTGCTTCACCAAGGAGCTA[C>T]ACTCCCACTTCTTCAGCTTGGGCAAGTGTGTGCCTGTGTGCCGAGGTGAGCTGCTCCTCC-3'
Protein context (NP_000107.1, residues 99-119): AADICFTKEL[His109Tyr]SHFFSLGKCV